The following is an entry in ClinVar:

NM_001111067.4(ACVR1):c.1177G>A (p.Val393Met)

Gene: ACVR1 (activin A receptor type 1; minus strand). Cytogenetic location: 2q24.1.
Variant type: single nucleotide variant.
Coding change: c.1177G>A on transcript NM_001111067.4 (MANE Select); coding-DNA position 1177, G replaced by A.
Protein change: p.Val393Met; replaces valine 393 with methionine.
Molecular consequence: missense variant.
Genome position (GRCh38, 1-based): chr2:157,760,967, C>T on the plus strand (G>A on the coding strand, the complement: ACVR1 is on the minus strand). VCF-style: chr2-157760967-C-T. GRCh37 (hg19) VCF-style: chr2-158617479-C-T.
Other names: c.1177G>A, p.Val393Met (NM_001105.5, NM_001347663.1, NM_001347664.1 and 3 more transcripts); c.1177G>A (NM_001105.4); short protein forms V393M.
Identifiers: ClinVar variation 2701623 (VCV002701623.4), dbSNP rs2467919419, ClinGen allele CA349189467.
Genomic context (GRCh38, chr2:157,760,967, plus strand): 5'-CCCACAAAACAAGTCCAAAGGCCCAAATATCGACCCTTTTATAAGAATCGAAACAATCCA[C>T]CTGGATGGTTTCATCTAGAACTTCGGGGGCCATGTAGCGCTTGGTGCCCACACGGGGATT-3'
Protein context (NP_001104537.1, residues 383-403): APEVLDETIQ[Val393Met]DCFDSYKRVD

ClinVar aggregate classification (germline): Uncertain significance. Review status: criteria provided, multiple submitters, no conflicts (2 of 4 stars). 2 submissions from 2 submitters: Uncertain significance (2). Last evaluated 2025-11-11.

Conditions:
Inborn genetic diseases. Identifiers: MedGen C0950123, MeSH D030342.

gnomAD v4.1: 1 of 1,614,130 alleles (0.000062%); highest among the groups gnomAD compares: Non-Finnish European, 0.000085%; no homozygotes.

Submissions (2):

Ambry Genetics
Classification: Uncertain significance for Inborn genetic diseases. Last evaluated: 2025-11-11. Review status: criteria provided, single submitter. Criteria: Ambry Variant Classification Scheme 2023. Collection method: clinical testing. Allele origin: germline.

Labcorp Genetics (formerly Invitae), Labcorp
Classification: Uncertain significance. Last evaluated: 2023-12-09. Review status: criteria provided, single submitter. Criteria: Invitae Variant Classification Sherloc (09022015). Collection method: clinical testing. Allele origin: germline.
Comment: This sequence change replaces valine, which is neutral and non-polar, with methionine, which is neutral and non-polar, at codon 393 of the ACVR1 protein (p.Val393Met). This variant is not present in population databases (gnomAD no frequency). This variant has not been reported in the literature in individuals affected with ACVR1-related conditions. An algorithm developed to predict the effect of missense changes on protein structure and function (PolyPhen-2) suggests that this variant is likely to be tolerated. In summary, the available evidence is currently insufficient to determine the role of this variant in disease. Therefore, it has been classified as a Variant of Uncertain Significance.